The following is an entry in ClinVar:

ClinVar aggregate classification (germline): Uncertain significance (1 of 4 stars; one submission).

Conditions:
Inborn genetic diseases. Identifiers: MedGen C0950123, MeSH D030342.

Allele frequency attached by ClinVar (database versions not stated): ExAC 0.00001; gnomAD exomes 0.00002; ESP Exome Variant Server 0.00008.
gnomAD v4.1: 29 of 1,614,074 alleles (0.0018%); highest among the groups gnomAD compares: East Asian, 0.0022%; no homozygotes.

Submission:

Ambry Genetics
Classification: Uncertain significance for Inborn genetic diseases. Last evaluated: 2017-11-02. Review status: criteria provided, single submitter. Criteria: Ambry Variant Classification Scheme 2023. Collection method: clinical testing. Allele origin: germline.
Comment: The p.N244S variant (also known as c.731A>G), located in coding exon 5 of the ANKRD11 gene, results from an A to G substitution at nucleotide position 731. The asparagine at codon 244 is replaced by serine, an amino acid with highly similar properties. This amino acid position is highly conserved in available vertebrate species. In addition, this alteration is predicted to be tolerated by in silico analysis. Since supporting evidence is limited at this time, the clinical significance of this alteration remains unclear.

NM_013275.6(ANKRD11):c.731A>G (p.Asn244Ser)

Gene: ANKRD11 (ankyrin repeat domain containing 11; minus strand). Cytogenetic location: 16q24.3.
Variant type: single nucleotide variant.
Coding change: c.731A>G on transcript NM_013275.6 (MANE Select); coding-DNA position 731, A replaced by G.
Protein change: p.Asn244Ser; replaces asparagine 244 with serine.
Molecular consequence: missense variant. On other transcripts: non-coding transcript variant (1).
Genome position (GRCh38, 1-based): chr16:89,288,541, T>C on the plus strand (A>G on the coding strand, the complement: ANKRD11 is on the minus strand). VCF-style: chr16-89288541-T-C. GRCh37 (hg19) VCF-style: chr16-89354949-T-C.
Other names: c.731A>G, p.Asn244Ser (NM_001256182.2, NM_001256183.2); short protein forms N244S.
Identifiers: ClinVar variation 1758296 (VCV001758296.2), dbSNP rs373075725, ClinGen allele CA8243006.